The following is an entry in ClinVar:

ClinVar aggregate classification (germline): Likely benign. Review status: criteria provided, multiple submitters, no conflicts (2 of 4 stars). 2 submissions from 2 submitters: Likely benign (2). Last evaluated 2026-07-23.

Conditions:
HNRNPH2-related disorder. Also called: HNRNPH2-related condition.

Allele frequency attached by ClinVar (database versions not stated): 1000 Genomes Project 0.00026; ExAC 0.00040; 1000 Genomes Project 30x 0.00042; ESP Exome Variant Server 0.00047; gnomAD 0.00117; TOPMed 0.00144.
gnomAD v4.1: 269 of 1,204,922 alleles (0.022%); highest among the groups gnomAD compares: African/African-American, 0.38%; 2 homozygotes.

Submissions (2):

PreventionGenetics, part of Exact Sciences
Classification: Likely benign for HNRNPH2-related condition. Last evaluated: 2026-07-23. Review status: criteria provided, single submitter. Criteria: ACMG Guidelines, 2015. Collection method: clinical testing. Allele origin: germline.
Comment: This variant is classified as likely benign based on ACMG/AMP sequence variant interpretation guidelines (Richards et al. 2015 PMID: 25741868, with internal and published modifications).

CeGaT Center for Human Genetics Tuebingen
Classification: Likely benign. Last evaluated: 2022-09-01. Review status: criteria provided, single submitter. Criteria: CeGaT Center For Human Genetics Tuebingen Variant Classification Criteria Version 2. Collection method: clinical testing. Allele origin: germline. Affected: yes. Observed: 1 variant allele.
Comment: HNRNPH2: BP4, BP7

NM_019597.5(HNRNPH2):c.15G>A (p.Thr5=)

Genes: HNRNPH2 (heterogeneous nuclear ribonucleoprotein H2; plus strand), RPL36A-HNRNPH2 (RPL36A-HNRNPH2 readthrough; plus strand). Cytogenetic location: Xq22.1.
Variant type: single nucleotide variant.
Coding change: c.15G>A on transcript NM_019597.5 (MANE Select); coding-DNA position 15, G replaced by A.
Protein change: p.Thr5=; no amino-acid change (threonine 5 retained).
Molecular consequence: synonymous variant. On other transcripts: 3 prime UTR variant (2).
Genome position (GRCh38, 1-based): chrX:101,412,003, G>A. VCF-style: chrX-101412003-G-A. GRCh37 (hg19) VCF-style: chrX-100666991-G-A.
Other names: c.15G>A (NM_019597.4); c.*11G>A (NM_001199973.2, NM_001199974.2); c.15G>A, p.Thr5= (NM_001032393.3).
Identifiers: ClinVar variation 2661060 (VCV002661060.25), dbSNP rs149708053, ClinGen allele CA10473443.